The following is an entry in ClinVar:

NM_004646.4(NPHS1):c.3562G>A (p.Ala1188Thr)

Gene: NPHS1 (NPHS1 adhesion molecule, nephrin; minus strand). Cytogenetic location: 19q13.12.
Variant type: single nucleotide variant.
Coding change: c.3562G>A on transcript NM_004646.4 (MANE Select); coding-DNA position 3562, G replaced by A.
Protein change: p.Ala1188Thr; replaces alanine 1188 with threonine.
Molecular consequence: missense variant.
Genome position (GRCh38, 1-based): chr19:35,830,876, C>T on the plus strand (G>A on the coding strand, the complement: NPHS1 is on the minus strand). VCF-style: chr19-35830876-C-T. GRCh37 (hg19) VCF-style: chr19-36321778-C-T.
Other names: short protein forms A1188T.
Identifiers: ClinVar variation 554227 (VCV000554227.19), dbSNP rs116700257, ClinGen allele CA9389711.
Genomic context (GRCh38, chr19:35,830,876, plus strand): 5'-GGATGGTTGCTGATGCAAAGCTTCTCACCATCTGCACTTCATCGTAGAGGGGTCCCCAGG[C>T]TCCAGACGGGGGGTACGTTCTTTCTACCTCATCATACAAGTGCCCAGGGAAGGCCATATC-3'
Protein context (NP_004637.1, residues 1178-1198): EVERTYPPSG[Ala1188Thr]WGPLYDEVQM

ClinVar aggregate classification (germline): Conflicting classifications of pathogenicity. Review status: criteria provided, conflicting classifications (1 of 4 stars). 7 submissions from 7 submitters: Uncertain significance (1); Benign (1); Likely benign (3). 2 of the submissions do not count toward it. Last evaluated 2026-01-26.

Conditions:
NPHS1-related disorder. Also called: NPHS1-related condition.
Finnish congenital nephrotic syndrome (NPHS1). Also called: NEPHROTIC SYNDROME, TYPE 1. Identifiers: Orphanet 839, MedGen C0403399, MONDO:0009732, OMIM 256300.

Allele frequency attached by ClinVar (database versions not stated): gnomAD exomes 0.00016 and 0.00039; ExAC 0.00051; gnomAD 0.00158 and 0.00177; TOPMed 0.00176; ESP Exome Variant Server 0.00185; 1000 Genomes Project 0.00200; 1000 Genomes Project 30x 0.00219.
gnomAD v4.1: 480 of 1,613,560 alleles (0.03%); highest among the groups gnomAD compares: African/African-American, 0.58%; 3 homozygotes.

Submissions (7):

Labcorp Genetics (formerly Invitae), Labcorp
Classification: Likely benign. Last evaluated: 2026-01-26. Review status: criteria provided, single submitter. Criteria: Invitae Variant Classification Sherloc (09022015). Collection method: clinical testing. Allele origin: germline.

Women's Health and Genetics/Laboratory Corporation of America, LabCorp
Classification: Likely benign. Last evaluated: 2022-07-07. Review status: criteria provided, single submitter. Criteria: LabCorp Variant Classification Summary - May 2015. Collection method: clinical testing. Allele origin: germline.
Comment: Variant summary: NPHS1 c.3562G>A (p.Ala1188Thr) results in a non-conservative amino acid change in the encoded protein sequence. Four of five in-silico tools predict a benign effect of the variant on protein function. The variant allele was found at a frequency of 0.00042 in 252492 control chromosomes (gnomAD and Bonomo_2014), predominantly at a frequency of 0.0058 within the African or African-American subpopulation in the gnomAD database. The observed variant frequency within African or African-American control individuals in the gnomAD database is approximately 2-fold of the estimated maximal expected allele frequency for a pathogenic variant in NPHS1 causing Nephrotic Syndrome, Type 1 phenotype (0.0034), suggesting that the variant is a benign polymorphism found primarily in populations of African or African-American origin. c.3562G>A has been reported in the literature in at least one heterozygous individual affected with Nephrotic Syndrome, without strong evidence for causality (e.g. Bierzynska_2017) and therefore this report does not provide unequivocal conclusions about association of the variant with disease. To our knowledge, no experimental evidence demonstrating an impact on protein function has been reported. Four clinical diagnostic laboratories have submitted clinical-significance assessments for this variant to ClinVar after 2014 without evidence for independent evaluation. Three laboratories classified the variant as benign (n=1)/likely benign (n=2), and one classified it as VUS. Based on the evidence outlined above, the variant was classified as likely benign.

GeneDx
Classification: Likely benign. Last evaluated: 2020-10-08. Review status: criteria provided, single submitter. Criteria: GeneDx Variant Classification Process June 2021. Collection method: clinical testing. Allele origin: germline. Affected: yes.
Comment: This variant is associated with the following publications: (PMID: 28117080)

Athena Diagnostics
Classification: Uncertain significance. Last evaluated: 2018-07-10. Review status: criteria provided, single submitter. Criteria: Athena Diagnostics Criteria. Collection method: clinical testing. Allele origin: germline.

Vasylyeva lab, Texas Tech University Health Sciences Center
Classification: Benign for Finnish congenital nephrotic syndrome. Last evaluated: 2017-10-06. Review status: criteria provided, single submitter. Criteria: ACMG Guidelines, 2015. Collection method: clinical testing. Allele origin: unknown. Affected: yes.

PreventionGenetics, part of Exact Sciences
Classification: Likely benign for NPHS1-related condition. Last evaluated: 2020-10-27. Review status: no assertion criteria provided. Collection method: clinical testing. Allele origin: germline. Not counted in ClinVar's aggregate classification.
Comment: This variant is classified as likely benign based on ACMG/AMP sequence variant interpretation guidelines (Richards et al. 2015 PMID: 25741868, with internal and published modifications).

Counsyl
Classification: Benign for Finnish congenital nephrotic syndrome. Last evaluated: 2017-10-06. Review status: no assertion criteria provided. Collection method: clinical testing. Allele origin: unknown. Not counted in ClinVar's aggregate classification.

Literature cited by the submitters: PubMed 28117080 (cited by 3 submitters); PubMed 24948143 (cited by Women's Health and Genetics/Laboratory Corporation of America, LabCorp).